The following is an entry in ClinVar:

NM_022893.4(BCL11A):c.1493A>G (p.Glu498Gly)

Gene: BCL11A (BCL11 transcription factor A; minus strand). Cytogenetic location: 2p16.1.
Variant type: single nucleotide variant.
Coding change: c.1493A>G on transcript NM_022893.4 (MANE Select); coding-DNA position 1493, A replaced by G.
Protein change: p.Glu498Gly; replaces glutamic acid 498 with glycine.
Molecular consequence: missense variant. On other transcripts: intron variant (6).
Genome position (GRCh38, 1-based): chr2:60,461,419, T>C on the plus strand (A>G on the coding strand, the complement: BCL11A is on the minus strand). VCF-style: chr2-60461419-T-C. GRCh37 (hg19) VCF-style: chr2-60688554-T-C.
Other names: c.1391A>G, p.Glu464Gly (NM_001363864.1, NM_001365609.1, NM_001405711.1 and 2 more transcripts); c.1493A>G, p.Glu498Gly (NM_001405708.1, NM_001405709.1, NM_001405710.1 and 1 more transcripts); c.1337A>G, p.Glu446Gly (NM_001405713.1, NM_001405714.1, NM_001405715.1 and 3 more transcripts); c.1235A>G, p.Glu412Gly (NM_001405717.1, NM_001405718.1, NM_001405724.1); c.1160A>G, p.Glu387Gly (NM_001405720.1, NM_001405721.1); c.1037A>G, p.Glu346Gly (NM_001405725.1, NM_001405726.1, NM_001405727.1 and 1 more transcripts); c.800A>G, p.Glu267Gly (NM_001405729.1); c.956A>G, p.Glu319Gly (NM_001405730.1); and 5 more; short protein forms E167G, E267G, E319G, E346G, E387G, E412G, E446G, E464G.
Identifiers: ClinVar variation 1800984 (VCV001800984.1), dbSNP rs1469971324, ClinGen allele CA347037886.

ClinVar aggregate classification (germline): Uncertain significance (1 of 4 stars; one submission).

Submission:

GeneDx
Classification: Uncertain significance. Last evaluated: 2022-05-23. Review status: criteria provided, single submitter. Criteria: GeneDx Variant Classification Process June 2021. Collection method: clinical testing. Allele origin: germline. Affected: yes.
Comment: Not observed at significant frequency in large population cohorts (gnomAD); In silico analysis supports that this missense variant has a deleterious effect on protein structure/function; Has not been previously published as pathogenic or benign to our knowledge